The following is an entry in ClinVar:

ClinVar aggregate classification (germline): Conflicting classifications of pathogenicity. Review status: criteria provided, conflicting classifications (1 of 4 stars). 5 submissions from 5 submitters: Uncertain significance (1); Likely benign (3). 1 of the submissions does not count toward it. Last evaluated 2026-01-25.

Conditions:
SKIC3-related disorder. Also called: SKIC3-related condition.
Trichohepatoenteric syndrome 1 (THES1). Also called: DIARRHEA, FATAL INFANTILE, WITH TRICHORRHEXIS NODOSA. Identifiers: Orphanet 84064, MedGen C4551982, MONDO:0024541, OMIM 222470.
Inborn genetic diseases. Identifiers: MedGen C0950123, MeSH D030342.

Allele frequency attached by ClinVar (database versions not stated): ExAC 0.00030; 1000 Genomes Project 0.00060; 1000 Genomes Project 30x 0.00062; TOPMed 0.00103; ESP Exome Variant Server 0.00162.
gnomAD v4.1: 466 of 1,611,848 alleles (0.029%); highest among the groups gnomAD compares: African/African-American, 0.26%; 2 homozygotes.

Submissions (5):

Labcorp Genetics (formerly Invitae), Labcorp
Classification: Likely benign. Last evaluated: 2026-01-25. Review status: criteria provided, single submitter. Criteria: Invitae Variant Classification Sherloc (09022015). Collection method: clinical testing. Allele origin: germline.

Blueprint Genetics
Classification: Likely benign. Last evaluated: 2024-11-12. Review status: criteria provided, single submitter. Criteria: ACMG Guidelines, 2015. Collection method: clinical testing. Allele origin: germline.

Ambry Genetics
Classification: Uncertain significance for Inborn genetic diseases. Last evaluated: 2024-01-23. Review status: criteria provided, single submitter. Criteria: Ambry Variant Classification Scheme 2023. Collection method: clinical testing. Allele origin: germline.

ARUP Laboratories, Molecular Genetics and Genomics, ARUP Laboratories
Classification: Likely benign for Trichohepatoenteric syndrome 1. Last evaluated: 2021-09-01. Review status: criteria provided, single submitter. Criteria: ARUP Molecular Germline Variant Investigation Process 2021. Collection method: clinical testing. Allele origin: germline.

PreventionGenetics, part of Exact Sciences
Classification: Likely benign for SKIC3-related condition. Last evaluated: 2024-07-22. Review status: no assertion criteria provided. Collection method: clinical testing. Allele origin: germline. Not counted in ClinVar's aggregate classification.
Comment: This variant is classified as likely benign based on ACMG/AMP sequence variant interpretation guidelines (Richards et al. 2015 PMID: 25741868, with internal and published modifications).

NM_014639.4(SKIC3):c.2077G>A (p.Val693Ile)

Gene: SKIC3 (SKI3 subunit of superkiller complex; minus strand). Cytogenetic location: 5q15.
Variant type: single nucleotide variant.
Coding change: c.2077G>A on transcript NM_014639.4 (MANE Select); coding-DNA position 2077, G replaced by A.
Protein change: p.Val693Ile; replaces valine 693 with isoleucine.
Molecular consequence: missense variant.
Genome position (GRCh38, 1-based): chr5:95,520,753, C>T on the plus strand (G>A on the coding strand, the complement: SKIC3 is on the minus strand). VCF-style: chr5-95520753-C-T. GRCh37 (hg19) VCF-style: chr5-94856457-C-T.
Other names: short protein forms V693I.
Identifiers: ClinVar variation 703882 (VCV000703882.20), dbSNP rs150894862, ClinGen allele CA3347174.